The following is an entry in ClinVar:

NM_198428.3(BBS9):c.2120T>C (p.Ile707Thr)

Gene: BBS9 (Bardet-Biedl syndrome 9; plus strand). Cytogenetic location: 7p14.3.
Variant type: single nucleotide variant.
Coding change: c.2120T>C on transcript NM_198428.3 (MANE Select); coding-DNA position 2120, T replaced by C.
Protein change: p.Ile707Thr; replaces isoleucine 707 with threonine.
Molecular consequence: missense variant. On other transcripts: non-coding transcript variant (3), intron variant (1).
Genome position (GRCh38, 1-based): chr7:33,505,467, T>C. VCF-style: chr7-33505467-T-C. GRCh37 (hg19) VCF-style: chr7-33545079-T-C.
Other names: c.2015T>C, p.Ile672Thr (NM_001033604.2); c.2105T>C, p.Ile702Thr (NM_001033605.2); c.2120T>C, p.Ile707Thr (NM_001348036.1, NM_001348041.4, NM_001348043.3 and 3 more transcripts); c.1847T>C, p.Ile616Thr (NM_001348038.3); c.1742T>C, p.Ile581Thr (NM_001348039.3); c.2000T>C, p.Ile667Thr (NM_001348040.3, NM_014451.4); c.1985T>C, p.Ile662Thr (NM_001348042.3); c.1649T>C, p.Ile550Thr (NM_001348044.3); and 3 more; short protein forms I550T, I581T, I585T, I616T, I662T, I667T, I672T, I702T.
Identifiers: ClinVar variation 1713691 (VCV001713691.7), dbSNP rs2537394608, ClinGen allele CA367255684.

ClinVar aggregate classification (germline): Uncertain significance. Review status: criteria provided, multiple submitters, no conflicts (2 of 4 stars). 5 submissions from 5 submitters: Uncertain significance (4). 1 of the submissions does not count toward it. Last evaluated 2025-03-31.

Conditions:
BBS9-related disorder. Also called: BBS9-related condition.
Inborn genetic diseases. Identifiers: MedGen C0950123, MeSH D030342.
Bardet-Biedl syndrome (BBS). Identifiers: Orphanet 110, MedGen C0752166, MONDO:0015229.
Bardet-Biedl syndrome 9 (BBS9). Identifiers: Orphanet 110, MedGen C1859567, MONDO:0014437, OMIM 615986.

Submissions (5):

Ambry Genetics
Classification: Uncertain significance for Inborn genetic diseases. Last evaluated: 2025-03-31. Review status: criteria provided, single submitter. Criteria: Ambry Variant Classification Scheme 2023. Collection method: clinical testing. Allele origin: germline.

Fulgent Genetics
Classification: Uncertain significance for Bardet-Biedl syndrome 9. Last evaluated: 2024-05-23. Review status: criteria provided, single submitter. Criteria: ACMG Guidelines, 2015. Collection method: clinical testing. Allele origin: germline.

Labcorp Genetics (formerly Invitae), Labcorp
Classification: Uncertain significance for Bardet-Biedl syndrome. Last evaluated: 2023-05-22. Review status: criteria provided, single submitter. Criteria: Invitae Variant Classification Sherloc (09022015). Collection method: clinical testing. Allele origin: germline.
Comment: This sequence change replaces isoleucine, which is neutral and non-polar, with threonine, which is neutral and polar, at codon 707 of the BBS9 protein (p.Ile707Thr). This variant is not present in population databases (gnomAD no frequency). This variant has not been reported in the literature in individuals affected with BBS9-related conditions. ClinVar contains an entry for this variant (Variation ID: 1713691). Advanced modeling of protein sequence and biophysical properties (such as structural, functional, and spatial information, amino acid conservation, physicochemical variation, residue mobility, and thermodynamic stability) performed at Invitae indicates that this missense variant is not expected to disrupt BBS9 protein function. In summary, the available evidence is currently insufficient to determine the role of this variant in disease. Therefore, it has been classified as a Variant of Uncertain Significance.

Blueprint Genetics
Classification: Uncertain significance. Last evaluated: 2022-12-01. Review status: criteria provided, single submitter. Criteria: ACMG Guidelines, 2015. Collection method: clinical testing. Allele origin: germline.

PreventionGenetics, part of Exact Sciences
Classification: Uncertain significance for BBS9-related condition. Last evaluated: 2024-03-15. Review status: no assertion criteria provided. Collection method: clinical testing. Allele origin: germline. Not counted in ClinVar's aggregate classification.
Comment: The BBS9 c.2120T>C variant is predicted to result in the amino acid substitution p.Ile707Thr. To our knowledge, this variant has not been reported in the literature or in a large population database, indicating this variant is rare. At this time, the clinical significance of this variant is uncertain due to the absence of conclusive functional and genetic evidence.